The following is an entry in ClinVar:

ClinVar aggregate classification (germline): Uncertain significance. Review status: criteria provided, multiple submitters, no conflicts (2 of 4 stars). 2 submissions from 2 submitters: Uncertain significance (2). Last evaluated 2024-01-03.

Conditions:
Cardiomyopathy (CMYO). Also called: Cardiomyopathies. Identifiers: Orphanet 167848, MedGen C0878544, MONDO:0004994, HP:0001638. Inheritance: Various modes of inheritance.
Arrhythmogenic cardiomyopathy with wooly hair and keratoderma. Also called: PALMOPLANTAR KERATODERMA WITH LEFT VENTRICULAR CARDIOMYOPATHY AND WOOLLY HAIR; Carvajal syndrome; Dilated cardiomyopathy with woolly hair and keratoderma; Arrhythmogenic cardiomyopathy with woolly hair and keratoderma. Identifiers: Orphanet 65282, MedGen C1854063, MONDO:0011581, OMIM 605676.

Submissions (2):

All of Us Research Program, National Institutes of Health
Classification: Uncertain significance for Arrhythmogenic cardiomyopathy with wooly hair and keratoderma. Last evaluated: 2024-01-03. Review status: criteria provided, single submitter. Criteria: ACMG Guidelines, 2015. Collection method: clinical testing. Allele origin: germline. Inheritance: Autosomal dominant inheritance. Observed: 1 variant allele, 1 heterozygote.
Comment: This missense variant replaces threonine with serine at codon 2775 of the DSP protein. Computational prediction suggests that this variant may not impact protein structure and function (internally defined REVEL score threshold <= 0.5, PMID: 27666373). To our knowledge, functional studies have not been reported for this variant. This variant has not been reported in individuals affected with DSP-related disorders in the literature. This variant has not been identified in the general population by the Genome Aggregation Database (gnomAD). The available evidence is insufficient to determine the role of this variant in disease conclusively. Therefore, this variant is classified as a Variant of Uncertain Significance.

This study involves interpretation of variants in research participants for the purpose of population health screening. Participant phenotype was not available at the time of variant classification. Additional details can be found in publication PMID: 35346344, PMCID: PMC8962531

Color Diagnostics, LLC DBA Color Health
Classification: Uncertain significance for Cardiomyopathy. Last evaluated: 2023-12-12. Review status: criteria provided, single submitter. Criteria: ACMG Guidelines, 2015. Collection method: clinical testing. Allele origin: germline.
Comment: This missense variant replaces threonine with serine at codon 2775 of the DSP protein. Computational prediction suggests that this variant may not impact protein structure and function. To our knowledge, functional studies have not been reported for this variant. This variant has not been reported in individuals affected with DSP-related disorders in the literature. This variant has not been identified in the general population by the Genome Aggregation Database (gnomAD). The available evidence is insufficient to determine the role of this variant in disease conclusively. Therefore, this variant is classified as a Variant of Uncertain Significance.

NM_004415.4(DSP):c.8324C>G (p.Thr2775Ser)

Gene: DSP (desmoplakin; plus strand). Cytogenetic location: 6p24.3.
Variant type: single nucleotide variant.
Coding change: c.8324C>G on transcript NM_004415.4 (MANE Select); coding-DNA position 8324, C replaced by G.
Protein change: p.Thr2775Ser; replaces threonine 2775 with serine.
Molecular consequence: missense variant.
Genome position (GRCh38, 1-based): chr6:7,585,586, C>G. VCF-style: chr6-7585586-C-G. GRCh37 (hg19) VCF-style: chr6-7585819-C-G.
Other names: c.6527C>G, p.Thr2176Ser (NM_001008844.3); c.6995C>G, p.Thr2332Ser (NM_001319034.2); short protein forms T2176S, T2332S, T2775S.
Identifiers: ClinVar variation 3075276 (VCV003075276.2), dbSNP rs1285268161, ClinGen allele CA362694917.
Genomic context (GRCh38, chr6:7,585,586, plus strand): 5'-TCATAGATGGCCGCGCCGCACAGAGGCTGCAAGACACCAGCAGCTATGCCAAAATCCTGA[C>G]CTGCCCCAAAACCAAATTAAAAATATCCTATAAGGATGCCATAAATCGCTCCATGGTAGA-3'
Protein context (NP_004406.2, residues 2765-2785): QDTSSYAKIL[Thr2775Ser]CPKTKLKISY